The following is an entry in ClinVar:

NM_022114.4(PRDM16):c.525G>A (p.Ala175=)

Gene: PRDM16 (PR/SET domain 16; plus strand). Cytogenetic location: 1p36.32.
Variant type: single nucleotide variant.
Coding change: c.525G>A on transcript NM_022114.4 (MANE Select); coding-DNA position 525, G replaced by A.
Protein change: p.Ala175=; no amino-acid change (alanine 175 retained).
Molecular consequence: synonymous variant.
Genome position (GRCh38, 1-based): chr1:3,385,238, G>A. VCF-style: chr1-3385238-G-A. GRCh37 (hg19) VCF-style: chr1-3301802-G-A.
Other names: c.525G>A, p.Ala175= (NM_199454.3).
Identifiers: ClinVar variation 698357 (VCV000698357.12), dbSNP rs761677255, ClinGen allele CA543842.

ClinVar aggregate classification (germline): Benign/Likely benign. Review status: criteria provided, multiple submitters, no conflicts (2 of 4 stars). 3 submissions from 3 submitters: Benign (1); Likely benign (1). 1 of the submissions does not count toward it. Last evaluated 2026-04-27.

Conditions:
PRDM16-related disorder. Also called: PRDM16-related condition.
Left ventricular noncompaction 8 (LVNC8). Identifiers: Orphanet 154, Orphanet 54260, MedGen C3809288, MONDO:0014152, OMIM 615373.

Allele frequency attached by ClinVar (database versions not stated): TOPMed 0.00007.
gnomAD v4.1: 37 of 1,613,602 alleles (0.0023%); highest among the groups gnomAD compares: Admixed American, 0.02%; no homozygotes.

Submissions (3):

Women's Health and Genetics/Laboratory Corporation of America, LabCorp
Classification: Benign. Last evaluated: 2026-04-27. Review status: criteria provided, single submitter. Criteria: LabCorp Variant Classification Summary - May 2015. Collection method: clinical testing. Allele origin: germline.

Labcorp Genetics (formerly Invitae), Labcorp
Classification: Likely benign for Left ventricular noncompaction 8. Last evaluated: 2025-12-11. Review status: criteria provided, single submitter. Criteria: Invitae Variant Classification Sherloc (09022015). Collection method: clinical testing. Allele origin: germline.

PreventionGenetics, part of Exact Sciences
Classification: Likely benign for PRDM16-related condition. Last evaluated: 2022-08-05. Review status: no assertion criteria provided. Collection method: clinical testing. Allele origin: germline. Not counted in ClinVar's aggregate classification.
Comment: This variant is classified as likely benign based on ACMG/AMP sequence variant interpretation guidelines (Richards et al. 2015 PMID: 25741868, with internal and published modifications).